The following is an entry in ClinVar:

NM_152384.3(BBS5):c.259-3C>T

Gene: BBS5 (Bardet-Biedl syndrome 5; plus strand). Cytogenetic location: 2q31.1.
Variant type: single nucleotide variant.
Coding change: c.259-3C>T on transcript NM_152384.3 (MANE Select); 3 bases into the intron before coding-DNA position 259, C replaced by T.
Molecular consequence: intron variant.
Genome position (GRCh38, 1-based): chr2:169,487,984, C>T. VCF-style: chr2-169487984-C-T. GRCh37 (hg19) VCF-style: chr2-170344494-C-T.
Other names: c.259-3C>T (NM_152384.2).
Identifiers: ClinVar variation 1382286 (VCV001382286.8), dbSNP rs564412855, ClinGen allele CA1956176.
Genomic context (GRCh38, chr2:169,487,984, plus strand): 5'-TTTTCACTATAAAGGAGAAATTGCTCTTAAAATCTGAACTTTTAAATAAATTTGTCCTTA[C>T]AGAAATTACGAGGCCAAACTGAAGCTCTCTATATACTAACAAAATGTAACAGTACTCGTT-3'

ClinVar aggregate classification (germline): Uncertain significance. Review status: criteria provided, multiple submitters, no conflicts (2 of 4 stars). 3 submissions from 3 submitters: Uncertain significance (2). 1 of the submissions does not count toward it. Last evaluated 2024-10-15.

Conditions:
BBS5-related disorder. Also called: BBS5-related condition.
Bardet-Biedl syndrome (BBS). Identifiers: Orphanet 110, MedGen C0752166, MONDO:0015229.
Bardet-Biedl syndrome 5 (BBS5). Identifiers: Orphanet 110, MedGen C3892039, MONDO:0014434, OMIM 615983.

Allele frequency attached by ClinVar (database versions not stated): ExAC 0.00001; gnomAD exomes 0.00001.
gnomAD v4.1: 87 of 1,613,370 alleles (0.0054%); highest among the groups gnomAD compares: Non-Finnish European, 0.0071%; no homozygotes.

Submissions (3):

Labcorp Genetics (formerly Invitae), Labcorp
Classification: Uncertain significance for Bardet-Biedl syndrome. Last evaluated: 2024-10-15. Review status: criteria provided, single submitter. Criteria: Invitae Variant Classification Sherloc (09022015). Collection method: clinical testing. Allele origin: germline.
Comment: This sequence change falls in intron 4 of the BBS5 gene. It does not directly change the encoded amino acid sequence of the BBS5 protein. It affects a nucleotide within the consensus splice site. This variant is present in population databases (rs564412855, gnomAD 0.003%). This variant has not been reported in the literature in individuals affected with BBS5-related conditions. ClinVar contains an entry for this variant (Variation ID: 1382286). Variants that disrupt the consensus splice site are a relatively common cause of aberrant splicing (PMID: 17576681, 9536098). Algorithms developed to predict the effect of sequence changes on RNA splicing suggest that this variant may disrupt the consensus splice site. In summary, the available evidence is currently insufficient to determine the role of this variant in disease. Therefore, it has been classified as a Variant of Uncertain Significance.

Fulgent Genetics
Classification: Uncertain significance for Bardet-Biedl syndrome 5. Last evaluated: 2021-12-27. Review status: criteria provided, single submitter. Criteria: ACMG Guidelines, 2015. Collection method: clinical testing. Allele origin: unknown.

PreventionGenetics, part of Exact Sciences
Classification: Likely benign for BBS5-related condition. Last evaluated: 2020-02-05. Review status: no assertion criteria provided. Collection method: clinical testing. Allele origin: germline. Not counted in ClinVar's aggregate classification.
Comment: This variant is classified as likely benign based on ACMG/AMP sequence variant interpretation guidelines (Richards et al. 2015 PMID: 25741868, with internal and published modifications).

Literature cited by the submitters: PubMed 17576681 (cited by Labcorp Genetics (formerly Invitae), Labcorp); PubMed 9536098 (cited by Labcorp Genetics (formerly Invitae), Labcorp).